The following is an entry in ClinVar:

ClinVar aggregate classification (germline): Likely pathogenic. Review status: criteria provided, multiple submitters, no conflicts (2 of 4 stars). 2 submissions from 2 submitters: Likely pathogenic (2). Last evaluated 2025-09-04.

Conditions:
Ehlers-Danlos syndrome, musculocontractural type 2 (EDSMC2). Identifiers: Orphanet 2953, MedGen C3809845, MONDO:0014236, OMIM 615539.

Allele frequency attached by ClinVar (database versions not stated): gnomAD exomes below 0.00001.

Submissions (2):

Labcorp Genetics (formerly Invitae), Labcorp
Classification: Likely pathogenic for Ehlers-Danlos syndrome, musculocontractural type 2. Last evaluated: 2025-09-04. Review status: criteria provided, single submitter. Criteria: Invitae Variant Classification Sherloc (09022015). Collection method: clinical testing. Allele origin: germline.
Comment: This sequence change affects a donor splice site in intron 2 of the DSE gene. It is expected to disrupt RNA splicing. Variants that disrupt the donor or acceptor splice site typically lead to a loss of protein function (PMID: 16199547), and loss-of-function variants in DSE are known to be pathogenic (PMID: 28229453, 32130795). This variant is not present in population databases (gnomAD no frequency). This variant has not been reported in the literature in individuals affected with DSE-related conditions. ClinVar contains an entry for this variant (Variation ID: 1708660). Algorithms developed to predict the effect of sequence changes on RNA splicing suggest that this variant may disrupt the consensus splice site. In summary, the currently available evidence indicates that the variant is pathogenic, but additional data are needed to prove that conclusively. Therefore, this variant has been classified as Likely Pathogenic.

GeneDx
Classification: Likely pathogenic. Last evaluated: 2025-07-20. Review status: criteria provided, single submitter. Criteria: GeneDx Variant Classification Process June 2021. Collection method: clinical testing. Allele origin: germline. Affected: yes.
Comment: Canonical splice site variant predicted to result in a null allele in a gene for which loss of function is a known mechanism of disease; Not observed at significant frequency in large population cohorts (gnomAD); Has not been previously published as pathogenic or benign to our knowledge

Literature cited by the submitters: PubMed 16199547 (cited by Labcorp Genetics (formerly Invitae), Labcorp); PubMed 28229453 (cited by Labcorp Genetics (formerly Invitae), Labcorp); PubMed 32130795 (cited by Labcorp Genetics (formerly Invitae), Labcorp).

NM_013352.4(DSE):c.416+1G>A

Gene: DSE (dermatan sulfate epimerase; plus strand). Cytogenetic location: 6q22.1.
Variant type: single nucleotide variant.
Coding change: c.416+1G>A on transcript NM_013352.4 (MANE Select); the canonical splice donor site of the intron after coding-DNA position 416, G replaced by A.
Molecular consequence: splice donor variant. On other transcripts: intron variant (2).
Genome position (GRCh38, 1-based): chr6:116,399,667, G>A. VCF-style: chr6-116399667-G-A. GRCh37 (hg19) VCF-style: chr6-116720830-G-A.
Other names: c.-485+1G>A (NM_001374520.1); c.416+1G>A (NM_001322937.2, NM_001322938.2, NM_001374522.1 and 3 more transcripts); c.-172+1G>A (NM_001374521.1); c.-146+5G>A (NM_001322940.2, NM_001322941.2); c.473+1G>A (NM_001322939.2).
Identifiers: ClinVar variation 1708660 (VCV001708660.5), dbSNP rs2482086431, ClinGen allele CA365535051.
Genomic context (GRCh38, chr6:116,399,667, plus strand): 5'-CATTGAAGCCCGAGACATGGCCAAAGACTACATGGAGAGGATGGCAGCGCAGCCTAGTTG[G>A]TAGATTTTTGTCTTGTTCTTCTTACTGTGGTAACTCTGCATTAGAAAGAAACAAATCCAT-3'